The following is an entry in ClinVar:

NM_001082486.2(ACD):c.1028G>T (p.Ser343Ile)

Gene: ACD (ACD shelterin complex subunit and telomerase recruitment factor; minus strand). Cytogenetic location: 16q22.1.
Variant type: single nucleotide variant.
Coding change: c.1028G>T on transcript NM_001082486.2 (MANE Select); coding-DNA position 1028, G replaced by T.
Protein change: p.Ser343Ile; replaces serine 343 with isoleucine.
Molecular consequence: missense variant.
Genome position (GRCh38, 1-based): chr16:67,658,164, C>A on the plus strand (G>T on the coding strand, the complement: ACD is on the minus strand). VCF-style: chr16-67658164-C-A. GRCh37 (hg19) VCF-style: chr16-67692067-C-A.
Other names: c.941G>T, p.Ser314Ile (NM_001410884.1); c.1019G>T, p.Ser340Ile (NM_022914.3); short protein forms S340I, S343I, S314I.
Identifiers: ClinVar variation 1768979 (VCV001768979.2), dbSNP rs1280561217, ClinGen allele CA396352441.

ClinVar aggregate classification (germline): Uncertain significance (1 of 4 stars; one submission).

Conditions:
Inborn genetic diseases. Identifiers: MedGen C0950123, MeSH D030342.

Allele frequency attached by ClinVar (database versions not stated): TOPMed below 0.00001; gnomAD 0.00001; gnomAD exomes 0.00001.
gnomAD v4.1: 6 of 1,608,732 alleles (0.00037%); highest among the groups gnomAD compares: South Asian, 0.0033%; no homozygotes.

Submission:

Ambry Genetics
Classification: Uncertain significance for Inborn genetic diseases. Last evaluated: 2023-10-20. Review status: criteria provided, single submitter. Criteria: Ambry Variant Classification Scheme 2023. Collection method: clinical testing. Allele origin: germline.
Comment: The p.S429I variant (also known as c.1286G>T), located in coding exon 10 of the ACD gene, results from a G to T substitution at nucleotide position 1286. The serine at codon 429 is replaced by isoleucine, an amino acid with dissimilar properties. This amino acid position is conserved. In addition, this alteration is predicted to be tolerated by in silico analysis. Since supporting evidence is limited at this time, the clinical significance of this alteration remains unclear.